The following is an entry in ClinVar:

ClinVar aggregate classification (germline): Uncertain significance (1 of 4 stars; one submission).

Submission:

Labcorp Genetics (formerly Invitae), Labcorp
Classification: Uncertain significance. Last evaluated: 2025-06-12. Review status: criteria provided, single submitter. Criteria: Invitae Variant Classification Sherloc (09022015). Collection method: clinical testing. Allele origin: germline.
Comment: This sequence change falls in intron 7 of the HNF1A gene. It does not directly change the encoded amino acid sequence of the HNF1A protein. It affects a nucleotide within the consensus splice site. The frequency data for this variant in the population databases is considered unreliable, as metrics indicate poor data quality at this position in the gnomAD database. This variant has not been reported in the literature in individuals affected with HNF1A-related conditions. Variants that disrupt the consensus splice site are a relatively common cause of aberrant splicing (PMID: 17576681, 9536098). Algorithms developed to predict the effect of sequence changes on RNA splicing suggest that this variant may disrupt the consensus splice site. In summary, the available evidence is currently insufficient to determine the role of this variant in disease. Therefore, it has been classified as a Variant of Uncertain Significance.

Literature cited by the submitters: PubMed 17576681; PubMed 9536098.

NM_000545.8(HNF1A):c.1501+5G>A

Gene: HNF1A (HNF1 homeobox A; plus strand). Cytogenetic location: 12q24.31.
Variant type: single nucleotide variant.
Coding change: c.1501+5G>A on transcript NM_000545.8 (MANE Select); 5 bases into the intron after coding-DNA position 1501, G replaced by A.
Molecular consequence: intron variant.
Genome position (GRCh38, 1-based): chr12:120,997,670, G>A. VCF-style: chr12-120997670-G-A. GRCh37 (hg19) VCF-style: chr12-121435473-G-A.
Other names: c.1501+5G>A (NM_001306179.2); c.1309+928G>A (NM_001406915.1).
Identifiers: ClinVar variation 4767659 (VCV004767659.1).